The following is an entry in ClinVar:

ClinVar aggregate classification (germline): Likely benign. Review status: criteria provided, multiple submitters, no conflicts (2 of 4 stars). 2 submissions from 2 submitters: Likely benign (2). Last evaluated 2024-11-25.

Conditions:
FMN2-related disorder. Also called: FMN2-related condition.

Submissions (2):

Blueprint Genetics
Classification: Likely benign. Last evaluated: 2024-11-25. Review status: criteria provided, single submitter. Criteria: ACMG Guidelines, 2015. Collection method: clinical testing. Allele origin: germline.

PreventionGenetics, part of Exact Sciences
Classification: Likely benign for FMN2-related condition. Last evaluated: 2019-10-31. Review status: criteria provided, single submitter. Criteria: ACMG Guidelines, 2015. Collection method: clinical testing. Allele origin: germline.
Comment: This variant is classified as likely benign based on ACMG/AMP sequence variant interpretation guidelines (Richards et al. 2015 PMID: 25741868, with internal and published modifications).

NM_020066.5(FMN2):c.2868G>A (p.Pro956=)

Gene: FMN2 (formin 2; plus strand). Cytogenetic location: 1q43.
Variant type: single nucleotide variant.
Coding change: c.2868G>A on transcript NM_020066.5 (MANE Select); coding-DNA position 2868, G replaced by A.
Protein change: p.Pro956=; no amino-acid change (proline 956 retained).
Molecular consequence: synonymous variant. On other transcripts: intron variant (1).
Genome position (GRCh38, 1-based): chr1:240,207,680, G>A. VCF-style: chr1-240207680-G-A. GRCh37 (hg19) VCF-style: chr1-240370980-G-A.
Other names: c.2880G>A, p.Pro960= (NM_001305424.2); c.1986+19418G>A (NM_001348094.2).
Identifiers: ClinVar variation 3040681 (VCV003040681.2), dbSNP rs1374115595, ClinGen allele CA1476832.
Genomic context (GRCh38, chr1:240,207,680, plus strand): 5'-TCTACCCGGAGCGGGAATACCTCCTCCGCCCCCTCTACCCGGAGCGGCAATACCCCCTCC[G>A]CCCCCTCTTCCCGGGGCAGGCATACCCCTTCCTCCCCCTCTTCCCGGAGCAGGAATACCT-3'
Protein context (NP_064450.3, residues 946-966): PPLPGAAIPP[Pro956=]PPLPGAGIPL